The following is an entry in ClinVar:

NM_000038.6(APC):c.314G>A (p.Ser105Asn)

Gene: APC (APC regulator of Wnt signaling pathway; plus strand). Cytogenetic location: 5q22.2.
Variant type: single nucleotide variant.
Coding change: c.314G>A on transcript NM_000038.6 (MANE Select); coding-DNA position 314, G replaced by A.
Protein change: p.Ser105Asn; replaces serine 105 with asparagine.
Molecular consequence: missense variant. On other transcripts: 5 prime UTR variant (1).
Genome position (GRCh38, 1-based): chr5:112,767,282, G>A. VCF-style: chr5-112767282-G-A. GRCh37 (hg19) VCF-style: chr5-112102979-G-A.
Other names: c.314G>A, p.Ser105Asn (NM_001127510.3, NM_001354895.2, NM_001354896.2 and 2 more transcripts); c.344G>A, p.Ser115Asn (NM_001127511.3, NM_001354897.2, NM_001354902.2); c.239G>A, p.Ser80Asn (NM_001354898.2, NM_001354904.2); c.137G>A, p.Ser46Asn (NM_001354900.2, NM_001354901.2, NM_001354905.2); c.-722G>A (NM_001354906.2); short protein forms S46N, S115N, S105N, S80N.
Identifiers: ClinVar variation 658501 (VCV000658501.12), dbSNP rs1580328726, ClinGen allele CA16022008.

ClinVar aggregate classification (germline): Uncertain significance. Review status: criteria provided, multiple submitters, no conflicts (2 of 4 stars). 2 submissions from 2 submitters: Uncertain significance (2). Last evaluated 2021-06-07.

Conditions:
Familial adenomatous polyposis 1 (FAP1). Also called: POLYPOSIS, ADENOMATOUS INTESTINAL; FAMILIAL ADENOMATOUS POLYPOSIS 1, ATTENUATED. Identifiers: MedGen C2713442, MONDO:0021056, OMIM 175100. Disease mechanism: loss of function.

Submissions (2):

GeneDx
Classification: Uncertain significance. Last evaluated: 2021-06-07. Review status: criteria provided, single submitter. Criteria: GeneDx Variant Classification Process June 2021. Collection method: clinical testing. Allele origin: germline. Affected: yes.
Comment: Not observed at significant frequency in large population cohorts (Lek 2016); In silico analysis supports that this missense variant does not alter protein structure/function; Has not been previously published as pathogenic or benign to our knowledge; This variant is associated with the following publications: (PMID: 27535533)

Labcorp Genetics (formerly Invitae), Labcorp
Classification: Uncertain significance for Familial adenomatous polyposis 1. Last evaluated: 2018-11-12. Review status: criteria provided, single submitter. Criteria: Invitae Variant Classification Sherloc (09022015). Collection method: clinical testing. Allele origin: germline.
Comment: In summary, the available evidence is currently insufficient to determine the role of this variant in disease. Therefore, it has been classified as a Variant of Uncertain Significance. Algorithms developed to predict the effect of missense changes on protein structure and function are either unavailable or do not agree on the potential impact of this missense change (SIFT: "Deleterious"; PolyPhen-2: "Benign"; Align-GVGD: "Class C0"). This variant has not been reported in the literature in individuals with APC-related disease. This variant is not present in population databases (ExAC no frequency). This sequence change replaces serine with asparagine at codon 105 of the APC protein (p.Ser105Asn). The serine residue is highly conserved and there is a small physicochemical difference between serine and asparagine.